The following is an entry in ClinVar:

NM_002693.3(POLG):c.1590del (p.Gly531fs)

Gene: POLG (DNA polymerase gamma, catalytic subunit; minus strand). Cytogenetic location: 15q26.1.
Variant type: Deletion.
Coding change: c.1590del on transcript NM_002693.3 (MANE Select); coding-DNA position 1590, one base deleted (C; older notation c.1590delC).
Protein change: p.Gly531fs; shifts the reading frame from glycine 531.
Molecular consequence: frameshift variant.
Genome position (GRCh38, 1-based): chr15:89,326,734, G deleted on the plus strand (C on the coding strand, the reverse complement: POLG is on the minus strand). VCF-style (leftmost placement, unchanged base first): chr15-89326733-CG-C. GRCh37 (hg19) VCF-style: chr15-89869964-CG-C.
Other names: c.1590del, p.Gly531fs (NM_001126131.2); short protein forms G531fs.
Identifiers: ClinVar variation 2836221 (VCV002836221.3), dbSNP rs2509253445, ClinGen allele CA2739269681.

ClinVar aggregate classification (germline): Pathogenic (1 of 4 stars; one submission).

Conditions:
Progressive sclerosing poliodystrophy (MTDPS4A). Also called: Mitochondrial DNA depletion syndrome 4A (Alpers type); ALPERS PROGRESSIVE INFANTILE POLIODYSTROPHY; NEURONAL DEGENERATION OF CHILDHOOD WITH LIVER DISEASE, PROGRESSIVE; Alpers Syndrome; ALPERS DIFFUSE DEGENERATION OF CEREBRAL GRAY MATTER WITH HEPATIC CIRRHOSIS; Alpers-Huttenlocher Syndrome. Identifiers: Orphanet 726, MedGen C0205710, MONDO:0008758, OMIM 203700.

Submission:

Labcorp Genetics (formerly Invitae), Labcorp
Classification: Pathogenic for Progressive sclerosing poliodystrophy. Last evaluated: 2023-11-06. Review status: criteria provided, single submitter. Criteria: Invitae Variant Classification Sherloc (09022015). Collection method: clinical testing. Allele origin: germline.
Comment: This sequence change creates a premature translational stop signal (p.Gly531Alafs*22) in the POLG gene. It is expected to result in an absent or disrupted protein product. Loss-of-function variants in POLG are known to be pathogenic (PMID: 18546365). This variant is not present in population databases (gnomAD no frequency). This variant has not been reported in the literature in individuals affected with POLG-related conditions. For these reasons, this variant has been classified as Pathogenic.

Literature cited by the submitters: PubMed 18546365.